The following is an entry in ClinVar:

NM_001130987.2(DYSF):c.2217-1G>T

Gene: DYSF (dysferlin; plus strand). Cytogenetic location: 2p13.2.
Variant type: single nucleotide variant.
Coding change: c.2217-1G>T on transcript NM_001130987.2 (MANE Select); the canonical splice acceptor site of the intron before coding-DNA position 2217, G replaced by T.
Molecular consequence: splice acceptor variant.
Genome position (GRCh38, 1-based): chr2:71,561,751, G>T. VCF-style: chr2-71561751-G-T. GRCh37 (hg19) VCF-style: chr2-71788881-G-T.
Other names: c.2256-1G>T (NM_001130979.2); c.2214-1G>T (NM_001130981.2, NM_001130980.2); c.2163-1G>T (NM_001130978.2, NM_003494.4, NM_003494.3); c.2121-1G>T (NM_001130977.2, NM_001130976.2); c.2259-1G>T (NM_001130982.2); c.2217-1G>T (NM_001130985.2); c.2166-1G>T (NM_001130983.2, NM_001130455.2); c.2124-1G>T (NM_001130984.2, NM_001130986.2).
Identifiers: ClinVar variation 290204 (VCV000290204.11), dbSNP rs886044379, ClinGen allele CA10606685.

ClinVar aggregate classification (germline): Pathogenic. Review status: criteria provided, multiple submitters, no conflicts (2 of 4 stars). 4 submissions from 4 submitters: Pathogenic (4). Last evaluated 2024-06-26.

Conditions:
Neuromuscular disease caused by qualitative or quantitative defects of dysferlin. Also called: Qualitative or quantitative defects of dysferlin; Dysferlinopathy. Identifiers: Orphanet 207073, MedGen C2931687, MONDO:0016145.
Autosomal recessive limb-girdle muscular dystrophy type 2B (LGMDR2). Also called: MUSCULAR DYSTROPHY, LIMB-GIRDLE, TYPE 3; Limb-girdle muscular dystrophy, type 2B; Limb-Girdle Muscular Dystrophy Type 2B (LGMD2B); MUSCULAR DYSTROPHY, LIMB-GIRDLE, AUTOSOMAL RECESSIVE 2. Identifiers: Orphanet 268, MedGen C1850889, MONDO:0009676, OMIM 253601.

Allele frequency attached by ClinVar (database versions not stated): gnomAD exomes below 0.00001.
gnomAD v4.1: 5 of 1,614,162 alleles (0.00031%); highest among the groups gnomAD compares: South Asian, 0.0055%; no homozygotes.

Submissions (4):

Natera, Inc.
Classification: Pathogenic for Limb-girdle muscular dystrophy type 2B. Last evaluated: 2024-06-26. Review status: criteria provided, single submitter. Criteria: Natera Variant Classification Schema (03/2026). Collection method: clinical testing. Allele origin: germline.
Comment: The c.2163-1G>T variant in DYSF is a canonical splice acceptor site variant predicted to affect pre-mRNA splicing, which may result in an abnormal transcript and altered protein product. This variant is expected to result in nonsense mediated decay, truncation, or a dysfunctional protein product. This variant is rare in the general population with a frequency below the threshold expected for the associated phenotype(s). This variant has been observed in one or more individuals affected with the associated recessive disease, as either homozygous or compound heterozygous with a second variant (PMID: 19528035, 27602406). Given the available evidence, this variant is classified as Pathogenic.

Labcorp Genetics (formerly Invitae), Labcorp
Classification: Pathogenic for Neuromuscular disease caused by qualitative or quantitative defects of dysferlin. Last evaluated: 2024-01-28. Review status: criteria provided, single submitter. Criteria: Invitae Variant Classification Sherloc (09022015). Collection method: clinical testing. Allele origin: germline.
Comment: This sequence change affects an acceptor splice site in intron 22 of the DYSF gene. It is expected to disrupt RNA splicing. Variants that disrupt the donor or acceptor splice site typically lead to a loss of protein function (PMID: 16199547), and loss-of-function variants in DYSF are known to be pathogenic (PMID: 17698709, 20301480). This variant is present in population databases (no rsID available, gnomAD 0.003%). Disruption of this splice site has been observed in individual(s) with limb-girdle muscular dystrophy type 2 (PMID: 19528035, 30564623). ClinVar contains an entry for this variant (Variation ID: 290204). Algorithms developed to predict the effect of sequence changes on RNA splicing suggest that this variant may disrupt the consensus splice site. For these reasons, this variant has been classified as Pathogenic.

Foundation for Research in Genetics and Endocrinology, FRIGE's Institute of Human Genetics
Classification: Pathogenic for Autosomal recessive limb-girdle muscular dystrophy type 2B. Last evaluated: 2020-03-20. Review status: criteria provided, single submitter. Criteria: ACMG Guidelines, 2015. Collection method: clinical testing. Allele origin: germline. Inheritance: Autosomal recessive inheritance. Affected: yes. Observed: 1 homozygote.
Comment: A homozygous 3' splice site variation in intron 22 of the DYSF gene that affects the invariant AG acceptor splice site upstream of exon 23 was detected. The observed variant c.2217-1G>T has not been reported in the 1000 genomes and ExAC databases. The variant has previously been reported as c.2163-1G>T, in homozygous state in a patient affected with limb-girdle muscular dystrophy-2B (Klinge L et al. 2010). The in silico prediction of the variant is damaging by MutationTaster2. The reference codon is conserved across species. In summary, the variant meets our criteria to be classified as pathogenic.

Eurofins Ntd Llc (ga)
Classification: Pathogenic. Last evaluated: 2016-08-18. Review status: criteria provided, single submitter. Criteria: EGL Classification Definitions 2015. Collection method: clinical testing. Allele origin: germline. Observed: 1 variant allele, 1 homozygote.

Literature cited by the submitters: PubMed 19528035 (cited by Natera, Inc. and Labcorp Genetics (formerly Invitae), Labcorp); PubMed 27602406 (cited by Natera, Inc.); PubMed 16199547 (cited by Labcorp Genetics (formerly Invitae), Labcorp); PubMed 17698709 (cited by Labcorp Genetics (formerly Invitae), Labcorp); PubMed 20301480 (cited by Labcorp Genetics (formerly Invitae), Labcorp); PubMed 30564623 (cited by Labcorp Genetics (formerly Invitae), Labcorp).